The following is an entry in ClinVar:

ClinVar aggregate classification (germline): Uncertain significance. Review status: criteria provided, multiple submitters, no conflicts (2 of 4 stars). 4 submissions from 4 submitters: Uncertain significance (4). Last evaluated 2024-09-05.

Conditions:
X-linked intellectual disability with marfanoid habitus. Also called: Lujan Syndrome; INTELLECTUAL DEVELOPMENTAL DISORDER, X-LINKED, SYNDROMIC, LUJAN-FRYNS TYPE; X-linked mental retardation with marfanoid habitus syndrome; Lujan Syndrome (LS). Identifiers: Orphanet 776, MedGen C0796022, MONDO:0010655, OMIM 309520.
Cholestasis-pigmentary retinopathy-cleft palate syndrome (HDKR). Also called: Hardikar Syndrome (HS). Identifiers: Orphanet 1415, MedGen C0795969, MeSH C535632, MONDO:0012997, OMIM 301068.
FG syndrome 1 (OKS). Also called: OPITZ-KAVEGGIA SYNDROME; KELLER SYNDROME; MENTAL RETARDATION, LARGE HEAD, IMPERFORATE ANUS, CONGENITAL HYPOTONIA, AND PARTIAL AGENESIS OF CORPUS CALLOSUM; FG Syndrome Type 1 (FGS1). Identifiers: Orphanet 93932, MedGen C5399762, MONDO:0010590, OMIM 305450.
Blepharophimosis - intellectual disability syndrome, MKB type. Also called: Ohdo syndrome, X-linked; BLEPHAROPHIMOSIS-MENTAL RETARDATION SYNDROME, MAAT-KIEVIT-BRUNNER TYPE; X-Linked Ohdo Syndrome (XLOS). Identifiers: Orphanet 293707, MedGen C3698541, MONDO:0010477, OMIM 300895.
FG syndrome (FGS). Identifiers: MedGen C0220769, MONDO:0002010.

Allele frequency attached by ClinVar (database versions not stated): gnomAD exomes below 0.00001.
gnomAD v4.1: 5 of 1,211,696 alleles (0.00041%); highest among the groups gnomAD compares: Non-Finnish European, 0.00056%; no homozygotes.

Submissions (4):

Mayo Clinic Laboratories, Mayo Clinic
Classification: Uncertain significance. Last evaluated: 2024-09-05. Review status: criteria provided, single submitter. Criteria: ACMG Guidelines, 2015. Collection method: clinical testing. Allele origin: germline. Observed: 1 variant allele.
Comment: PM2

Labcorp Genetics (formerly Invitae), Labcorp
Classification: Uncertain significance for FG syndrome. Last evaluated: 2024-01-09. Review status: criteria provided, single submitter. Criteria: Invitae Variant Classification Sherloc (09022015). Collection method: clinical testing. Allele origin: germline.
Comment: This sequence change replaces arginine, which is basic and polar, with tryptophan, which is neutral and slightly polar, at codon 206 of the MED12 protein (p.Arg206Trp). This variant is not present in population databases (gnomAD no frequency). This variant has not been reported in the literature in individuals affected with MED12-related conditions. ClinVar contains an entry for this variant (Variation ID: 2144781). Advanced modeling of protein sequence and biophysical properties (such as structural, functional, and spatial information, amino acid conservation, physicochemical variation, residue mobility, and thermodynamic stability) has been performed at Invitae for this missense variant, however the output from this modeling did not meet the statistical confidence thresholds required to predict the impact of this variant on MED12 protein function. In summary, the available evidence is currently insufficient to determine the role of this variant in disease. Therefore, it has been classified as a Variant of Uncertain Significance.

Blueprint Genetics
Classification: Uncertain significance. Last evaluated: 2022-12-07. Review status: criteria provided, single submitter. Criteria: ACMG Guidelines, 2015. Collection method: clinical testing. Allele origin: germline.

Department of Pathology and Laboratory Medicine, Sinai Health System
Classification: Uncertain significance for Blepharophimosis - intellectual disability syndrome, MKB type; Cholestasis-pigmentary retinopathy-cleft palate syndrome; FG syndrome 1; X-linked intellectual disability with marfanoid habitus. Last evaluated: 2021-09-10. Review status: criteria provided, single submitter. Criteria: ACMG Guidelines, 2015. Collection method: research. Allele origin: germline.

NM_005120.3(MED12):c.616C>T (p.Arg206Trp)

Gene: MED12 (mediator complex subunit 12; plus strand). Cytogenetic location: Xq13.1.
Variant type: single nucleotide variant.
Coding change: c.616C>T on transcript NM_005120.3 (MANE Select); coding-DNA position 616, C replaced by T.
Protein change: p.Arg206Trp; replaces arginine 206 with tryptophan.
Molecular consequence: missense variant.
Genome position (GRCh38, 1-based): chrX:71,121,033, C>T. VCF-style: chrX-71121033-C-T. GRCh37 (hg19) VCF-style: chrX-70340883-C-T.
Other names: p.Arg206Trp; short protein forms R206W.
Identifiers: ClinVar variation 2144781 (VCV002144781.7), dbSNP rs1556334331, ClinGen allele CA413500642.